The following is an entry in ClinVar:

NM_001378964.1(CDON):c.2623A>G (p.Ser875Gly)

Gene: CDON (cell adhesion associated, oncogene regulated; minus strand). Cytogenetic location: 11q24.2.
Variant type: single nucleotide variant.
Coding change: c.2623A>G on transcript NM_001378964.1 (MANE Select); coding-DNA position 2623, A replaced by G.
Protein change: p.Ser875Gly; replaces serine 875 with glycine.
Molecular consequence: missense variant.
Genome position (GRCh38, 1-based): chr11:125,994,311, T>C on the plus strand (A>G on the coding strand, the complement: CDON is on the minus strand). VCF-style: chr11-125994311-T-C. GRCh37 (hg19) VCF-style: chr11-125864206-T-C.
Other names: c.2623A>G, p.Ser875Gly (NM_001243597.3, NM_016952.6); short protein forms S875G.
Identifiers: ClinVar variation 260789 (VCV000260789.28), dbSNP rs115533243, ClinGen allele CA6351666.

ClinVar aggregate classification (germline): Benign/Likely benign. Review status: criteria provided, multiple submitters, no conflicts (2 of 4 stars). 7 submissions from 7 submitters: Benign (4); Likely benign (2). 1 of the submissions does not count toward it. Last evaluated 2026-01-29.

Conditions:
CDON-related disorder. Also called: CDON-related condition.
Holoprosencephaly 11 (HPE11). Identifiers: Orphanet 2162, MedGen C3280215, MONDO:0013642, OMIM 614226.

Allele frequency attached by ClinVar (database versions not stated): gnomAD exomes 0.01451 and 0.01937; ESP Exome Variant Server 0.01808; ExAC 0.01867; 1000 Genomes Project 30x 0.01874; TOPMed 0.01917; 1000 Genomes Project 0.01957; gnomAD 0.02055 and 0.02079.

Submissions (11):

Labcorp Genetics (formerly Invitae), Labcorp
Classification: Benign for Holoprosencephaly 11. Last evaluated: 2026-01-29. Review status: criteria provided, single submitter. Criteria: Invitae Variant Classification Sherloc (09022015). Collection method: clinical testing. Allele origin: germline.

Blueprint Genetics
Classification: Likely benign. Last evaluated: 2024-11-27. Review status: criteria provided, single submitter. Criteria: ACMG Guidelines, 2015. Collection method: clinical testing. Allele origin: germline.

ARUP Laboratories, Molecular Genetics and Genomics, ARUP Laboratories
Classification: Benign for Holoprosencephaly 11. Last evaluated: 2023-11-29. Review status: criteria provided, single submitter. Criteria: ARUP Molecular Germline Variant Investigation Process 2024. Collection method: clinical testing. Allele origin: germline.

GeneDx
Classification: Benign. Last evaluated: 2019-09-02. Review status: criteria provided, single submitter. Criteria: GeneDx Variant Classification Process June 2021. Collection method: clinical testing. Allele origin: germline. Affected: yes.

Illumina Laboratory Services, Illumina
Classification: Benign for Holoprosencephaly 11. Last evaluated: 2018-01-13. Review status: criteria provided, single submitter. Criteria: ICSL Variant Classification Criteria 13 December 2019. Collection method: clinical testing. Allele origin: germline.
Comment: This variant was observed in the ICSL laboratory as part of a predisposition screen in an ostensibly healthy population. It had not been previously curated by ICSL or reported in the Human Gene Mutation Database (HGMD: prior to June 1st, 2018), and was therefore a candidate for classification through an automated scoring system. Utilizing variant allele frequency, disease prevalence and penetrance estimates, and inheritance mode, an automated score was calculated to assess if this variant is too frequent to cause the disease. Based on the score and internal cut-off values, a variant classified as benign is not then subjected to further curation. The score for this variant resulted in a classification of benign for this disease.

Breakthrough Genomics
Classification: Likely benign. Review status: criteria provided, single submitter. Criteria: ACMG Guidelines, 2015. Collection method: not provided. Allele origin: germline. Inheritance: Autosomal dominant inheritance. Affected: yes.

PreventionGenetics, part of Exact Sciences
Classification: Benign for CDON-related condition. Last evaluated: 2019-04-29. Review status: no assertion criteria provided. Collection method: clinical testing. Allele origin: germline. Not counted in ClinVar's aggregate classification.
Comment: This variant is classified as benign based on ACMG/AMP sequence variant interpretation guidelines (Richards et al. 2015 PMID: 25741868, with internal and published modifications).

Dr. Peter K. Rogan Lab, Western University
No classification provided (evidence only). Condition: Lung cancer. Review status: no classification provided. Collection method: in vitro. Allele origin: not applicable. Functional consequence: retained intron. Not counted in ClinVar's aggregate classification.

Dr. Peter K. Rogan Lab, Western University
No classification provided (evidence only). Condition: Melanoma. Review status: no classification provided. Collection method: in vitro. Allele origin: not applicable. Functional consequence: retained intron. Not counted in ClinVar's aggregate classification.

Dr. Peter K. Rogan Lab, Western University
No classification provided (evidence only). Condition: Sarcoma. Review status: no classification provided. Collection method: in vitro. Allele origin: not applicable. Functional consequence: retained intron. Not counted in ClinVar's aggregate classification.

Dr. Peter K. Rogan Lab, Western University
No classification provided (evidence only). Condition: Hepatocellular carcinoma. Review status: no classification provided. Collection method: in vitro. Allele origin: not applicable. Functional consequence: retained intron. Not counted in ClinVar's aggregate classification.